The following is an entry in ClinVar:

ClinVar aggregate classification (germline): Benign/Likely benign. Review status: criteria provided, multiple submitters, no conflicts (2 of 4 stars). 16 submissions from 16 submitters: Benign (12); Likely benign (1). 3 of the submissions do not count toward it. Last evaluated 2026-02-03.

Conditions:
Becker muscular dystrophy (BMD). Also called: Becker Muscular Dystrophy (BMD); MUSCULAR DYSTROPHY, PSEUDOHYPERTROPHIC PROGRESSIVE, BECKER TYPE. Identifiers: Orphanet 98895, MedGen C0917713, MONDO:0010311, OMIM 300376.
Duchenne muscular dystrophy (DMD). Also called: Duchenne Muscular Dystrophy (DMD); MUSCULAR DYSTROPHY, PSEUDOHYPERTROPHIC PROGRESSIVE, DUCHENNE TYPE. Identifiers: Orphanet 98896, MedGen C0013264, MONDO:0010679, OMIM 310200.
Cardiomyopathy (CMYO). Also called: Cardiomyopathies. Identifiers: Orphanet 167848, MedGen C0878544, MONDO:0004994, HP:0001638. Inheritance: Various modes of inheritance.
Dystrophin deficiency.
Dilated cardiomyopathy 3B (CMD3B). Also called: CMD3B: DMD-Related Dilated Cardiomyopathy; CARDIOMYOPATHY, DILATED, X-LINKED; DMD-Associated Dilated Cardiomyopathy. Identifiers: Orphanet 154, MedGen C3668940, MONDO:0010542, OMIM 302045.
Cardiovascular phenotype. Identifiers: MedGen CN230736.

Allele frequency attached by ClinVar (database versions not stated): gnomAD exomes 0.00152 and 0.00437; ExAC 0.00541; gnomAD 0.01535 and 0.01630; TOPMed 0.01824; ESP Exome Variant Server 0.01846; 1000 Genomes Project 0.01907; 1000 Genomes Project 30x 0.02206.
gnomAD v4.1: 3,482 of 1,208,713 alleles (0.29%); highest among the groups gnomAD compares: African/African-American, 5.1%; 66 homozygotes.

Submissions (16):

Labcorp Genetics (formerly Invitae), Labcorp
Classification: Benign for Duchenne muscular dystrophy. Last evaluated: 2026-02-03. Review status: criteria provided, single submitter. Criteria: Invitae Variant Classification Sherloc (09022015). Collection method: clinical testing. Allele origin: germline.

ARUP Laboratories, Molecular Genetics and Genomics, ARUP Laboratories
Classification: Benign. Last evaluated: 2025-05-14. Review status: criteria provided, single submitter. Criteria: ARUP Molecular Germline Variant Investigation Process 2024. Collection method: clinical testing. Allele origin: germline.

Molecular Diagnostic Laboratory for Inherited Cardiovascular Disease, Montreal Heart Institute
Classification: Benign. Last evaluated: 2025-04-09. Review status: criteria provided, single submitter. Criteria: ACMG Guidelines, 2015. Collection method: clinical testing. Allele origin: germline. Affected: no.

Mayo Clinic Laboratories, Mayo Clinic
Classification: Benign. Last evaluated: 2022-04-26. Review status: criteria provided, single submitter. Criteria: ACMG Guidelines, 2015. Collection method: clinical testing. Allele origin: germline. Observed: 23 variant alleles.

Fulgent Genetics
Classification: Likely benign for Becker muscular dystrophy; Dilated cardiomyopathy 3B; Duchenne muscular dystrophy. Last evaluated: 2021-09-01. Review status: criteria provided, single submitter. Criteria: ACMG Guidelines, 2015. Collection method: clinical testing. Allele origin: unknown.

Women's Health and Genetics/Laboratory Corporation of America, LabCorp
Classification: Benign. Last evaluated: 2020-04-24. Review status: criteria provided, single submitter. Criteria: LabCorp Variant Classification Summary - May 2015. Collection method: clinical testing. Allele origin: germline.

Illumina Laboratory Services, Illumina
Classification: Benign for Dilated cardiomyopathy 3B. Last evaluated: 2018-01-12. Review status: criteria provided, single submitter. Criteria: ICSL Variant Classification Criteria 13 December 2019. Collection method: clinical testing. Allele origin: germline.
Comment: This variant was observed in the ICSL laboratory as part of a predisposition screen in an ostensibly healthy population. It had not been previously curated by ICSL or reported in the Human Gene Mutation Database (HGMD: prior to June 1st, 2018), and was therefore a candidate for classification through an automated scoring system. Utilizing variant allele frequency, disease prevalence and penetrance estimates, and inheritance mode, an automated score was calculated to assess if this variant is too frequent to cause the disease. Based on the score and internal cut-off values, a variant classified as benign is not then subjected to further curation. The score for this variant resulted in a classification of benign for this disease.

Athena Diagnostics
Classification: Benign. Last evaluated: 2017-09-19. Review status: criteria provided, single submitter. Criteria: Athena Diagnostics Criteria. Collection method: clinical testing. Allele origin: germline.

Ambry Genetics
Classification: Benign for Cardiovascular phenotype. Last evaluated: 2015-07-27. Review status: criteria provided, single submitter. Criteria: Ambry Variant Classification Scheme 2023. Collection method: clinical testing. Allele origin: germline.

Laboratory for Molecular Medicine, Mass General Brigham Personalized Medicine
Classification: Benign. Last evaluated: 2015-01-13. Review status: criteria provided, single submitter. Criteria: LMM Criteria. Collection method: clinical testing. Allele origin: germline. Observed: 6 variant alleles.
Comment: p.Asp1908Asp in exon 40 of DMD: This variant is not expected to have clinical si gnificance because it does not alter an amino acid residue and is not located wi thin the splice consensus sequence. It has been identified in 5% (191/3833) of A frican American chromosomes by the NHLBI Exome Sequencing Project (.; dbSNP rs143159113).

GeneDx
Classification: Benign. Last evaluated: 2014-08-06. Review status: criteria provided, single submitter. Criteria: GeneDx Variant Classification (06012015). Collection method: clinical testing. Allele origin: germline. Affected: yes.
Comment: This variant is considered likely benign or benign based on one or more of the following criteria: it is a conservative change, it occurs at a poorly conserved position in the protein, it is predicted to be benign by multiple in silico algorithms, and/or has population frequency not consistent with disease.

Eurofins Ntd Llc (ga)
Classification: Benign. Last evaluated: 2013-09-13. Review status: criteria provided, single submitter. Criteria: EGL Classification Definitions 2015. Collection method: clinical testing. Allele origin: germline. Observed: 7 variant alleles, 3 heterozygotes, 4 hemizygotes.

Breakthrough Genomics
Classification: Benign. Review status: criteria provided, single submitter. Criteria: ACMG Guidelines, 2015. Collection method: not provided. Allele origin: germline. Inheritance: X-linked inheritance. Affected: yes.

Natera, Inc.
Classification: Likely benign for Becker muscular dystrophy; Cardiomyopathy; Duchenne muscular dystrophy; Dystrophin deficiency. Last evaluated: 2017-04-20. Review status: no assertion criteria provided. Collection method: clinical testing. Allele origin: germline. Not counted in ClinVar's aggregate classification.

Diagnostic Laboratory, Department of Genetics, University Medical Center Groningen
Classification: Benign. Review status: no assertion criteria provided. Collection method: clinical testing. Allele origin: germline. Affected: yes. Study: VKGL Data-share Consensus. Not counted in ClinVar's aggregate classification.

Genome Diagnostics Laboratory, University Medical Center Utrecht
Classification: Benign. Review status: no assertion criteria provided. Collection method: clinical testing. Allele origin: germline. Affected: yes. Study: VKGL Data-share Consensus. Not counted in ClinVar's aggregate classification.

Literature cited by the submitters: PubMed 11524473 (cited by Athena Diagnostics).

NM_004006.3(DMD):c.5724T>C (p.Asp1908=)

Gene: DMD (dystrophin; minus strand). Cytogenetic location: Xp21.1.
Variant type: single nucleotide variant.
Coding change: c.5724T>C on transcript NM_004006.3 (MANE Select); coding-DNA position 5724, T replaced by C.
Protein change: p.Asp1908=; no amino-acid change (aspartic acid 1908 retained).
Molecular consequence: synonymous variant.
Genome position (GRCh38, 1-based): chrX:32,343,149, A>G on the plus strand (T>C on the coding strand, the complement: DMD is on the minus strand). VCF-style: chrX-32343149-A-G. GRCh37 (hg19) VCF-style: chrX-32361266-A-G.
Other names: p.D1908D:GAT>GAC; p.Asp1908=; c.5700T>C, p.Asp1900= (NM_000109.4); c.5712T>C, p.Asp1904= (NM_004009.3); c.5355T>C, p.Asp1785= (NM_004010.3); c.1701T>C, p.Asp567= (NM_004011.4); c.1692T>C, p.Asp564= (NM_004012.4).
Identifiers: ClinVar variation 94679 (VCV000094679.79), dbSNP rs143159113, ClinGen allele CA285583.